The following is an entry in ClinVar:

NM_021930.6(RINT1):c.1811A>T (p.His604Leu)

Gene: RINT1 (RAD50 interactor 1; plus strand). Cytogenetic location: 7q22.3.
Variant type: single nucleotide variant.
Coding change: c.1811A>T on transcript NM_021930.6 (MANE Select); coding-DNA position 1811, A replaced by T.
Protein change: p.His604Leu; replaces histidine 604 with leucine.
Molecular consequence: missense variant. On other transcripts: non-coding transcript variant (1).
Genome position (GRCh38, 1-based): chr7:105,563,872, A>T. VCF-style: chr7-105563872-A-T. GRCh37 (hg19) VCF-style: chr7-105204319-A-T.
Other names: c.1577A>T, p.His526Leu (NM_001346599.2); c.788A>T, p.His263Leu (NM_001346600.2, NM_001346603.2); c.887A>T, p.His296Leu (NM_001346601.2); short protein forms H263L, H526L, H296L, H604L.
Identifiers: ClinVar variation 4841716 (VCV004841716.1).

ClinVar aggregate classification (germline): Uncertain significance (1 of 4 stars; one submission).

gnomAD v4.1: 1 of 1,614,174 alleles (0.000062%); highest among the groups gnomAD compares: Non-Finnish European, 0.000085%; no homozygotes.

Submission:

Ambry Genetics
Classification: Uncertain significance. Last evaluated: 2025-12-21. Review status: criteria provided, single submitter. Criteria: Ambry Variant Classification Scheme 2023. Collection method: clinical testing. Allele origin: germline.
Comment: The p.H604L variant (also known as c.1811A>T), located in coding exon 12 of the RINT1 gene, results from an A to T substitution at nucleotide position 1811. The histidine at codon 604 is replaced by leucine, an amino acid with similar properties. This amino acid position is conserved. In addition, this alteration is predicted to be tolerated by in silico analysis. Based on the available evidence, the clinical significance of this variant remains unclear.